The following is an entry in ClinVar:

NM_014243.3(ADAMTS3):c.2601C>T (p.Tyr867=)

Gene: ADAMTS3 (ADAM metallopeptidase with thrombospondin type 1 motif 3; minus strand). Cytogenetic location: 4q13.3.
Variant type: single nucleotide variant.
Coding change: c.2601C>T on transcript NM_014243.3 (MANE Select); coding-DNA position 2601, C replaced by T.
Protein change: p.Tyr867=; no amino-acid change (tyrosine 867 retained).
Molecular consequence: synonymous variant.
Genome position (GRCh38, 1-based): chr4:72,295,776, G>A on the plus strand (C>T on the coding strand, the complement: ADAMTS3 is on the minus strand). VCF-style: chr4-72295776-G-A. GRCh37 (hg19) VCF-style: chr4-73161493-G-A.
Identifiers: ClinVar variation 3390065 (VCV003390065.14).

ClinVar aggregate classification (germline): Likely benign (1 of 4 stars; one submission).

Submission:

CeGaT Center for Human Genetics Tuebingen
Classification: Likely benign. Last evaluated: 2024-11-01. Review status: criteria provided, single submitter. Criteria: CeGaT Center For Human Genetics Tuebingen Variant Classification Criteria Version 2. Collection method: clinical testing. Allele origin: germline. Affected: yes. Observed: 1 variant allele.
Comment: ADAMTS3: PM2:Supporting, BP4, BP7